The following is an entry in ClinVar:

ClinVar aggregate classification (germline): Uncertain significance (1 of 4 stars; one submission).

Submission:

Labcorp Genetics (formerly Invitae), Labcorp
Classification: Uncertain significance. Last evaluated: 2021-04-10. Review status: criteria provided, single submitter. Criteria: Invitae Variant Classification Sherloc (09022015). Collection method: clinical testing. Allele origin: germline.
Comment: This sequence change replaces histidine with tyrosine at codon 311 of the ITGAM protein (p.His311Tyr). The histidine residue is highly conserved and there is a moderate physicochemical difference between histidine and tyrosine. This variant is not present in population databases (ExAC no frequency). In summary, the available evidence is currently insufficient to determine the role of this variant in disease. Therefore, it has been classified as a Variant of Uncertain Significance. Algorithms developed to predict the effect of missense changes on protein structure and function output the following: SIFT: "Deleterious"; PolyPhen-2: "Benign"; Align-GVGD: "Class C65". The tyrosine amino acid residue is found in multiple mammalian species, suggesting that this missense change does not adversely affect protein function. These predictions have not been confirmed by published functional studies and their clinical significance is uncertain. This variant has not been reported in the literature in individuals with ITGAM-related conditions.

NM_000632.4(ITGAM):c.931C>T (p.His311Tyr)

Gene: ITGAM (integrin subunit alpha M; plus strand). Cytogenetic location: 16p11.2.
Variant type: single nucleotide variant.
Coding change: c.931C>T on transcript NM_000632.4 (MANE Select); coding-DNA position 931, C replaced by T.
Protein change: p.His311Tyr; replaces histidine 311 with tyrosine.
Molecular consequence: missense variant.
Genome position (GRCh38, 1-based): chr16:31,275,621, C>T. VCF-style: chr16-31275621-C-T. GRCh37 (hg19) VCF-style: chr16-31286942-C-T.
Other names: c.931C>T, p.His311Tyr (NM_001145808.2); short protein forms H311Y.
Identifiers: ClinVar variation 1420785 (VCV001420785.8), dbSNP rs2144305456, ClinGen allele CA395697679.